The following is an entry in ClinVar:

ClinVar aggregate classification (germline): Benign (1 of 4 stars; one submission).

Allele frequency attached by ClinVar (database versions not stated): gnomAD exomes 0.00003; ESP Exome Variant Server 0.00008; ExAC 0.00017; gnomAD 0.00017; TOPMed 0.00023.
gnomAD v4.1: 112 of 1,612,492 alleles (0.0069%); highest among the groups gnomAD compares: East Asian, 0.053%; 1 homozygote.

Submission:

CeGaT Center for Human Genetics Tuebingen
Classification: Benign. Last evaluated: 2022-07-01. Review status: criteria provided, single submitter. Criteria: CeGaT Center For Human Genetics Tuebingen Variant Classification Criteria Version 2. Collection method: clinical testing. Allele origin: germline. Affected: yes. Observed: 1 variant allele.
Comment: CELSR3: BS1, BS2

NM_001407.3(CELSR3):c.9230G>A (p.Arg3077Gln)

Gene: CELSR3 (cadherin EGF LAG seven-pass G-type receptor 3; minus strand). Cytogenetic location: 3p21.31.
Variant type: single nucleotide variant.
Coding change: c.9230G>A on transcript NM_001407.3 (MANE Select); coding-DNA position 9230, G replaced by A.
Protein change: p.Arg3077Gln; replaces arginine 3077 with glutamine.
Molecular consequence: missense variant.
Genome position (GRCh38, 1-based): chr3:48,640,355, C>T on the plus strand (G>A on the coding strand, the complement: CELSR3 is on the minus strand). VCF-style: chr3-48640355-C-T. GRCh37 (hg19) VCF-style: chr3-48677788-C-T.
Other names: short protein forms R3077Q.
Identifiers: ClinVar variation 2653796 (VCV002653796.24), dbSNP rs368163979, ClinGen allele CA2383605.